The following is an entry in ClinVar:

NM_022765.4(MICAL1):c.313C>G (p.Leu105Val)

Gene: MICAL1 (microtubule associated monooxygenase, calponin and LIM domain containing 1; minus strand). Cytogenetic location: 6q21.
Variant type: single nucleotide variant.
Coding change: c.313C>G on transcript NM_022765.4 (MANE Select); coding-DNA position 313, C replaced by G.
Protein change: p.Leu105Val; replaces leucine 105 with valine.
Molecular consequence: missense variant.
Genome position (GRCh38, 1-based): chr6:109,453,791, G>C on the plus strand (C>G on the coding strand, the complement: MICAL1 is on the minus strand). VCF-style: chr6-109453791-G-C. GRCh37 (hg19) VCF-style: chr6-109774994-G-C.
Other names: c.313C>G, p.Leu105Val (NM_001159291.2); c.370C>G, p.Leu124Val (NM_001286613.2); short protein forms L124V, L105V.
Identifiers: ClinVar variation 4695386 (VCV004695386.1).

ClinVar aggregate classification (germline): Uncertain significance (1 of 4 stars; one submission).

gnomAD v4.1: 1 of 1,613,748 alleles (0.000062%); no homozygotes.

Submission:

Labcorp Genetics (formerly Invitae), Labcorp
Classification: Uncertain significance. Last evaluated: 2025-12-03. Review status: criteria provided, single submitter. Criteria: Invitae Variant Classification Sherloc (09022015). Collection method: clinical testing. Allele origin: germline.
Comment: This sequence change replaces leucine, which is neutral and non-polar, with valine, which is neutral and non-polar, at codon 124 of the MICAL1 protein (p.Leu124Val). This variant is not present in population databases (gnomAD no frequency). This variant has not been reported in the literature in individuals affected with MICAL1-related conditions. An algorithm developed to predict the effect of missense changes on protein structure and function (PolyPhen-2) suggests that this variant is likely to be disruptive. In summary, the available evidence is currently insufficient to determine the role of this variant in disease. Therefore, it has been classified as a Variant of Uncertain Significance.